The following is an entry in ClinVar:

NM_001195553.2(DCX):c.454A>T (p.Thr152Ser)

Gene: DCX (doublecortin; minus strand). Cytogenetic location: Xq23.
Variant type: single nucleotide variant.
Coding change: c.454A>T on transcript NM_001195553.2 (MANE Select); coding-DNA position 454, A replaced by T.
Protein change: p.Thr152Ser; replaces threonine 152 with serine.
Molecular consequence: missense variant.
Genome position (GRCh38, 1-based): chrX:111,401,241, T>A on the plus strand (A>T on the coding strand, the complement: DCX is on the minus strand). VCF-style: chrX-111401241-T-A. GRCh37 (hg19) VCF-style: chrX-110644469-T-A.
Other names: c.697A>T, p.Thr233Ser (NM_000555.3); c.454A>T, p.Thr152Ser (NM_001369370.1, NM_001369371.1, NM_001369372.1 and 6 more transcripts); short protein forms T152S, T233S.
Identifiers: ClinVar variation 3383892 (VCV003383892.1).

ClinVar aggregate classification (germline): Uncertain significance (1 of 4 stars; one submission).

Submission:

GeneDx
Classification: Uncertain significance. Last evaluated: 2024-05-31. Review status: criteria provided, single submitter. Criteria: GeneDx Variant Classification Process June 2021. Collection method: clinical testing. Allele origin: germline. Affected: yes.
Comment: Not observed at significant frequency in large population cohorts (gnomAD); In silico analysis indicates that this missense variant does not alter protein structure/function; Has not been previously published as pathogenic or benign to our knowledge